The following is an entry in ClinVar:

ClinVar aggregate classification (germline): Uncertain significance. Review status: criteria provided, multiple submitters, no conflicts (2 of 4 stars). 2 submissions from 2 submitters: Uncertain significance (2). Last evaluated 2022-11-12.

Conditions:
Hereditary cancer-predisposing syndrome. Also called: Neoplastic Syndromes, Hereditary; Hereditary neoplastic syndrome; Hereditary Cancer Syndrome; Tumor predisposition. Identifiers: Orphanet 140162, MedGen C0027672, MeSH D009386, MONDO:0015356.
Cardiovascular phenotype. Identifiers: MedGen CN230736.

Allele frequency attached by ClinVar (database versions not stated): gnomAD exomes below 0.00001.
gnomAD v4.1: 1 of 1,613,408 alleles (0.000062%); highest among the groups gnomAD compares: Non-Finnish European, 0.000085%; no homozygotes.

Submissions (2):

Ambry Genetics
Classification: Uncertain significance for Cardiovascular phenotype; Hereditary cancer-predisposing syndrome. Last evaluated: 2022-11-12. Review status: criteria provided, single submitter. Criteria: Ambry Variant Classification Scheme 2023. Collection method: clinical testing. Allele origin: germline.
Comment: The p.V603I variant (also known as c.1807G>A), located in coding exon 16 of the LZTR1 gene, results from a G to A substitution at nucleotide position 1807. The valine at codon 603 is replaced by isoleucine, an amino acid with highly similar properties. This amino acid position is conserved. In addition, this alteration is predicted to be tolerated by in silico analysis. Since supporting evidence is limited at this time, the clinical significance of this alteration remains unclear.

ARUP Laboratories, Molecular Genetics and Genomics, ARUP Laboratories
Classification: Uncertain significance. Last evaluated: 2022-07-08. Review status: criteria provided, single submitter. Criteria: ARUP Molecular Germline Variant Investigation Process 2021. Collection method: clinical testing. Allele origin: germline.
Comment: The LZTR1:c.1807G>A, p.Val603Ile variant (rs1924770797), to our knowledge, is not reported in the medical literature or gene specific databases. This variant is also absent from the Genome Aggregation Database, indicating it is not a common polymorphism. The valine at codon 603 is highly conserved, but computational analyses are uncertain whether this variant is neutral or deleterious (REVEL: 0.268). Due to limited information, the clinical significance of the this variant is uncertain at this time.

NM_006767.4(LZTR1):c.1807G>A (p.Val603Ile)

Gene: LZTR1 (leucine zipper like post translational regulator 1; plus strand). Cytogenetic location: 22q11.21.
Variant type: single nucleotide variant.
Coding change: c.1807G>A on transcript NM_006767.4 (MANE Select); coding-DNA position 1807, G replaced by A.
Protein change: p.Val603Ile; replaces valine 603 with isoleucine.
Molecular consequence: missense variant.
Genome position (GRCh38, 1-based): chr22:20,994,891, G>A. VCF-style: chr22-20994891-G-A. GRCh37 (hg19) VCF-style: chr22-21349180-G-A.
Other names: c.1807G>A (NM_006767.3); short protein forms V603I.
Identifiers: ClinVar variation 2428687 (VCV002428687.4), dbSNP rs1924770797, ClinGen allele CA410778495.
Genomic context (GRCh38, chr22:20,994,891, plus strand): 5'-GCTTGACTCTGCCTGCCTGCCTGTGCCTGTCTGCCCCAGGAGCACTGCCTGAACTTCGTG[G>A]TAAAGGAGTCCCACTTCAACCAGGTGATCATGATGAAGGAGTTCGAGCGCCTCTCCTCTC-3'
Protein context (NP_006758.2, residues 593-613): QLKEHCLNFV[Val603Ile]KESHFNQVIM